The following is an entry in ClinVar:

NM_000140.5(FECH):c.959A>G (p.Lys320Arg)

Gene: FECH (ferrochelatase; minus strand). Cytogenetic location: 18q21.31.
Variant type: single nucleotide variant.
Coding change: c.959A>G on transcript NM_000140.5 (MANE Select); coding-DNA position 959, A replaced by G.
Protein change: p.Lys320Arg; replaces lysine 320 with arginine.
Molecular consequence: missense variant.
Genome position (GRCh38, 1-based): chr18:57,554,378, T>C on the plus strand (A>G on the coding strand, the complement: FECH is on the minus strand). VCF-style: chr18-57554378-T-C. GRCh37 (hg19) VCF-style: chr18-55221610-T-C.
Other names: p.Lys320Arg; c.959A>G (NM_000140.4); c.977A>G, p.Lys326Arg (NM_001012515.4); c.860A>G, p.Lys287Arg (NM_001371094.1); c.743A>G, p.Lys248Arg (NM_001371095.1); c.959A>G, p.Lys320Arg (NM_001374778.1); short protein forms K248R, K287R, K320R, K326R.
Identifiers: ClinVar variation 1029666 (VCV001029666.6), dbSNP rs371224528, ClinGen allele CA8973024.
Genomic context (GRCh38, chr18:57,554,378, plus strand): 5'-TCACTGGTAAATGCTATCGGAACCAAGAGGATATTCTTCCTCCCCCTCTCACAAAGCCCT[T>C]TGATAGATTCGTCTGTTTGAGGACCCAACCAGGGCATTGGACCAACCTATGCGAAAGATA-3'
Protein context (NP_000131.2, residues 310-330): WLGPQTDESI[Lys320Arg]GLCERGRKNI

ClinVar aggregate classification (germline): Uncertain significance. Review status: criteria provided, multiple submitters, no conflicts (2 of 4 stars). 4 submissions from 4 submitters: Uncertain significance (4). Last evaluated 2025-11-12.

Conditions:
Inborn genetic diseases. Identifiers: MedGen C0950123, MeSH D030342.
Protoporphyria, erythropoietic, 1 (EPP1). Also called: FERROCHELATASE DEFICIENCY; HEME SYNTHETASE DEFICIENCY; Erythropoietic Protoporphyria, Autosomal Recessive. Identifiers: Orphanet 79278, MedGen C4692546, MONDO:0008319, OMIM 177000.

Allele frequency attached by ClinVar (database versions not stated): ExAC 0.00004; TOPMed 0.00005; gnomAD 0.00007; ESP Exome Variant Server 0.00008.
gnomAD v4.1: 120 of 1,614,084 alleles (0.0074%); highest among the groups gnomAD compares: Non-Finnish European, 0.0095%; no homozygotes.

Submissions (4):

Ambry Genetics
Classification: Uncertain significance for Inborn genetic diseases. Last evaluated: 2025-11-12. Review status: criteria provided, single submitter. Criteria: Ambry Variant Classification Scheme 2023. Collection method: clinical testing. Allele origin: germline.

Mayo Clinic Laboratories, Mayo Clinic
Classification: Uncertain significance. Last evaluated: 2024-09-23. Review status: criteria provided, single submitter. Criteria: ACMG Guidelines, 2015. Collection method: clinical testing. Allele origin: germline. Observed: 1 variant allele.

Labcorp Genetics (formerly Invitae), Labcorp
Classification: Uncertain significance. Last evaluated: 2021-10-29. Review status: criteria provided, single submitter. Criteria: Invitae Variant Classification Sherloc (09022015). Collection method: clinical testing. Allele origin: germline.
Comment: This sequence change replaces lysine, which is basic and polar, with arginine, which is basic and polar, at codon 320 of the FECH protein (p.Lys320Arg). This variant is present in population databases (rs371224528, gnomAD 0.009%). This variant has not been reported in the literature in individuals affected with FECH-related conditions. ClinVar contains an entry for this variant (Variation ID: 1029666). Algorithms developed to predict the effect of missense changes on protein structure and function output the following: SIFT: "Tolerated"; PolyPhen-2: "Benign"; Align-GVGD: "Class C0". The arginine amino acid residue is found in multiple mammalian species, which suggests that this missense change does not adversely affect protein function. In summary, the available evidence is currently insufficient to determine the role of this variant in disease. Therefore, it has been classified as a Variant of Uncertain Significance.

Baylor Genetics
Classification: Uncertain significance for Protoporphyria, erythropoietic, 1. Last evaluated: 2020-04-06. Review status: criteria provided, single submitter. Criteria: ACMG Guidelines, 2015. Collection method: clinical testing. Allele origin: unknown. Affected: yes.
Comment: This variant was determined to be of uncertain significance according to ACMG Guidelines, 2015 [PMID:25741868].